The following is an entry in ClinVar:

NM_017654.4(SAMD9):c.3940C>G (p.Gln1314Glu)

Gene: SAMD9 (sterile alpha motif domain containing 9; minus strand). Cytogenetic location: 7q21.2.
Variant type: single nucleotide variant.
Coding change: c.3940C>G on transcript NM_017654.4 (MANE Select); coding-DNA position 3940, C replaced by G.
Protein change: p.Gln1314Glu; replaces glutamine 1314 with glutamic acid.
Molecular consequence: missense variant.
Genome position (GRCh38, 1-based): chr7:93,102,158, G>C on the plus strand (C>G on the coding strand, the complement: SAMD9 is on the minus strand). VCF-style: chr7-93102158-G-C. GRCh37 (hg19) VCF-style: chr7-92731471-G-C.
Other names: c.3940C>G (NM_017654.3); c.3940C>G, p.Gln1314Glu (NM_001193307.2); short protein forms Q1314E.
Identifiers: ClinVar variation 2093991 (VCV002093991.5), dbSNP rs2535354397, ClinGen allele CA368181655.

ClinVar aggregate classification (germline): Uncertain significance. Review status: criteria provided, multiple submitters, no conflicts (2 of 4 stars). 2 submissions from 2 submitters: Uncertain significance (2). Last evaluated 2025-01-07.

Conditions:
Inborn genetic diseases. Identifiers: MedGen C0950123, MeSH D030342.

Submissions (2):

Ambry Genetics
Classification: Uncertain significance for Inborn genetic diseases. Last evaluated: 2025-01-07. Review status: criteria provided, single submitter. Criteria: Ambry Variant Classification Scheme 2023. Collection method: clinical testing. Allele origin: germline.
Comment: The p.Q1314E variant (also known as c.3940C>G), located in coding exon 1 of the SAMD9 gene, results from a C to G substitution at nucleotide position 3940. The glutamine at codon 1314 is replaced by glutamic acid, an amino acid with highly similar properties. This amino acid position is conserved. In addition, this alteration is predicted to be tolerated by in silico analysis. Based on the available evidence, the clinical significance of this variant remains unclear.

Labcorp Genetics (formerly Invitae), Labcorp
Classification: Uncertain significance. Last evaluated: 2022-02-06. Review status: criteria provided, single submitter. Criteria: Invitae Variant Classification Sherloc (09022015). Collection method: clinical testing. Allele origin: germline.
Comment: In summary, the available evidence is currently insufficient to determine the role of this variant in disease. Therefore, it has been classified as a Variant of Uncertain Significance. Algorithms developed to predict the effect of missense changes on protein structure and function are either unavailable or do not agree on the potential impact of this missense change (SIFT: "Deleterious"; PolyPhen-2: "Benign"; Align-GVGD: "Class C0"). This variant has not been reported in the literature in individuals affected with SAMD9-related conditions. This variant is not present in population databases (gnomAD no frequency). This sequence change replaces glutamine, which is neutral and polar, with glutamic acid, which is acidic and polar, at codon 1314 of the SAMD9 protein (p.Gln1314Glu).